The following is an entry in ClinVar:

NM_000037.4(ANK1):c.1686G>C (p.Pro562=)

Gene: ANK1 (ankyrin 1; minus strand). Cytogenetic location: 8p11.21.
Variant type: single nucleotide variant.
Coding change: c.1686G>C on transcript NM_000037.4 (MANE Select); coding-DNA position 1686, G replaced by C.
Protein change: p.Pro562=; no amino-acid change (proline 562 retained).
Molecular consequence: synonymous variant.
Genome position (GRCh38, 1-based): chr8:41,714,991, C>G on the plus strand (G>C on the coding strand, the complement: ANK1 is on the minus strand). VCF-style: chr8-41714991-C-G. GRCh37 (hg19) VCF-style: chr8-41572509-C-G.
Other names: c.1785G>C, p.Pro595= (NM_001142446.2); c.1686G>C, p.Pro562= (NM_020475.3, NM_020476.3, NM_020477.3).
Identifiers: ClinVar variation 3033795 (VCV003033795.2), dbSNP rs755176025, ClinGen allele CA460546793.

ClinVar aggregate classification (germline): Likely benign (0 of 4 stars; one submission).

Conditions:
ANK1-related disorder. Also called: ANK1-related condition.

Submission:

PreventionGenetics, part of Exact Sciences
Classification: Likely benign for ANK1-related condition. Last evaluated: 2019-06-12. Review status: no assertion criteria provided. Collection method: clinical testing. Allele origin: germline.
Comment: This variant is classified as likely benign based on ACMG/AMP sequence variant interpretation guidelines (Richards et al. 2015 PMID: 25741868, with internal and published modifications).